The following is an entry in ClinVar:

NM_000275.3(OCA2):c.2290C>G (p.Pro764Ala)

Gene: OCA2 (OCA2 melanosomal transmembrane protein; minus strand). Cytogenetic location: 15q13.1.
Variant type: single nucleotide variant.
Coding change: c.2290C>G on transcript NM_000275.3 (MANE Select); coding-DNA position 2290, C replaced by G.
Protein change: p.Pro764Ala; replaces proline 764 with alanine.
Molecular consequence: missense variant.
Genome position (GRCh38, 1-based): chr15:27,851,430, G>C on the plus strand (C>G on the coding strand, the complement: OCA2 is on the minus strand). VCF-style: chr15-27851430-G-C. GRCh37 (hg19) VCF-style: chr15-28096576-G-C.
Other names: c.2218C>G, p.Pro740Ala (NM_001300984.2); c.2290C>G (NM_000275.2); short protein forms P740A, P764A.
Identifiers: ClinVar variation 1404291 (VCV001404291.6), dbSNP rs772775471, ClinGen allele CA7438654.

ClinVar aggregate classification (germline): Uncertain significance. Review status: criteria provided, multiple submitters, no conflicts (2 of 4 stars). 2 submissions from 2 submitters: Uncertain significance (2). Last evaluated 2025-08-05.

Conditions:
Inborn genetic diseases. Identifiers: MedGen C0950123, MeSH D030342.

Allele frequency attached by ClinVar (database versions not stated): gnomAD exomes below 0.00001; TOPMed below 0.00001; ExAC 0.00001; gnomAD 0.00002 and 0.00003.
gnomAD v4.1: 8 of 1,613,838 alleles (0.0005%); highest among the groups gnomAD compares: Admixed American, 0.0067%; no homozygotes.

Submissions (2):

Ambry Genetics
Classification: Uncertain significance for Inborn genetic diseases. Last evaluated: 2025-08-05. Review status: criteria provided, single submitter. Criteria: Ambry Variant Classification Scheme 2023. Collection method: clinical testing. Allele origin: germline.

Labcorp Genetics (formerly Invitae), Labcorp
Classification: Uncertain significance. Last evaluated: 2022-06-13. Review status: criteria provided, single submitter. Criteria: Invitae Variant Classification Sherloc (09022015). Collection method: clinical testing. Allele origin: germline.
Comment: This sequence change replaces proline, which is neutral and non-polar, with alanine, which is neutral and non-polar, at codon 764 of the OCA2 protein (p.Pro764Ala). This variant is present in population databases (rs772775471, gnomAD no frequency). This variant has not been reported in the literature in individuals affected with OCA2-related conditions. Advanced modeling of protein sequence and biophysical properties (such as structural, functional, and spatial information, amino acid conservation, physicochemical variation, residue mobility, and thermodynamic stability) performed at Invitae indicates that this missense variant is expected to disrupt OCA2 protein function. In summary, the available evidence is currently insufficient to determine the role of this variant in disease. Therefore, it has been classified as a Variant of Uncertain Significance.